The following is an entry in ClinVar:

NM_000051.4(ATM):c.236A>G (p.Lys79Arg)

Gene: ATM (ATM serine/threonine kinase; plus strand). Cytogenetic location: 11q22.3.
Variant type: single nucleotide variant.
Coding change: c.236A>G on transcript NM_000051.4 (MANE Select); coding-DNA position 236, A replaced by G.
Protein change: p.Lys79Arg; replaces lysine 79 with arginine.
Molecular consequence: missense variant.
Genome position (GRCh38, 1-based): chr11:108,229,228, A>G. VCF-style: chr11-108229228-A-G. GRCh37 (hg19) VCF-style: chr11-108099955-A-G.
Other names: c.236A>G, p.Lys79Arg (NM_001351834.2, NM_001351835.2, NM_001351836.2); short protein forms K79R.
Identifiers: ClinVar variation 821166 (VCV000821166.12), dbSNP rs1591451757, ClinGen allele CA382521495.

ClinVar aggregate classification (germline): Uncertain significance. Review status: criteria provided, multiple submitters, no conflicts (2 of 4 stars). 2 submissions from 2 submitters: Uncertain significance (2). Last evaluated 2021-04-27.

Conditions:
Hereditary cancer-predisposing syndrome. Also called: Hereditary Cancer Syndrome; Neoplastic Syndromes, Hereditary; Hereditary neoplastic syndrome; Tumor predisposition. Identifiers: Orphanet 140162, MedGen C0027672, MeSH D009386, MONDO:0015356.
Ataxia-telangiectasia syndrome (AT). Also called: Cerebello-oculocutaneous telangiectasia; Immunodeficiency with ataxia telangiectasia; Ataxia-telangiectasia, complementation group E; Ataxia-telangiectasia, complementation group D; AT, COMPLEMENTATION GROUP C; ATAXIA-TELANGIECTASIA, COMPLEMENTATION GROUP A. Identifiers: Orphanet 100, MedGen C0004135, MONDO:0008840, OMIM 208900.

Submissions (2):

Labcorp Genetics (formerly Invitae), Labcorp
Classification: Uncertain significance for Ataxia-telangiectasia syndrome. Last evaluated: 2021-04-27. Review status: criteria provided, single submitter. Criteria: Invitae Variant Classification Sherloc (09022015). Collection method: clinical testing. Allele origin: germline.
Comment: This variant is not present in population databases (ExAC no frequency). This sequence change replaces lysine with arginine at codon 79 of the ATM protein (p.Lys79Arg). The lysine residue is highly conserved and there is a small physicochemical difference between lysine and arginine. Advanced modeling of protein sequence and biophysical properties (such as structural, functional, and spatial information, amino acid conservation, physicochemical variation, residue mobility, and thermodynamic stability) performed at Invitae indicates that this missense variant is not expected to disrupt ATM protein function. In summary, the available evidence is currently insufficient to determine the role of this variant in disease. Therefore, it has been classified as a Variant of Uncertain Significance. This variant has not been reported in the literature in individuals with ATM-related conditions. ClinVar contains an entry for this variant (Variation ID: 821166).

Ambry Genetics
Classification: Uncertain significance for Hereditary cancer-predisposing syndrome. Last evaluated: 2019-03-22. Review status: criteria provided, single submitter. Criteria: Ambry Variant Classification Scheme 2023. Collection method: clinical testing. Allele origin: germline.
Comment: The p.K79R variant (also known as c.236A>G), located in coding exon 3 of the ATM gene, results from an A to G substitution at nucleotide position 236. The lysine at codon 79 is replaced by arginine, an amino acid with highly similar properties. This amino acid position is highly conserved in available vertebrate species. In addition, this alteration is predicted to be tolerated by in silico analysis. Since supporting evidence is limited at this time, the clinical significance of this alteration remains unclear.